The following is an entry in ClinVar:

ClinVar aggregate classification (germline): Uncertain significance (1 of 4 stars; one submission).

gnomAD v4.1: 4 of 1,559,960 alleles (0.00026%); highest among the groups gnomAD compares: South Asian, 0.0012%; no homozygotes.

Submission:

Ambry Genetics
Classification: Uncertain significance. Last evaluated: 2024-11-17. Review status: criteria provided, single submitter. Criteria: Ambry Variant Classification Scheme 2023. Collection method: clinical testing. Allele origin: germline.
Comment: The p.S653G variant (also known as c.1957A>G), located in coding exon 8 of the WNK2 gene, results from an A to G substitution at nucleotide position 1957. The serine at codon 653 is replaced by glycine, an amino acid with similar properties. This amino acid position is conserved. In addition, the in silico prediction for this alteration is inconclusive. Based on the available evidence, the clinical significance of this variant remains unclear.

NM_006648.4(WNK2):c.1957A>G (p.Ser653Gly)

Gene: WNK2 (WNK lysine deficient protein kinase 2; plus strand). Cytogenetic location: 9q22.31.
Variant type: single nucleotide variant.
Coding change: c.1957A>G on transcript NM_006648.4 (MANE Select); coding-DNA position 1957, A replaced by G.
Protein change: p.Ser653Gly; replaces serine 653 with glycine.
Molecular consequence: missense variant.
Genome position (GRCh38, 1-based): chr9:93,253,005, A>G. VCF-style: chr9-93253005-A-G. GRCh37 (hg19) VCF-style: chr9-96015287-A-G.
Other names: c.1957A>G, p.Ser653Gly (NM_001282394.3); short protein forms S653G.
Identifiers: ClinVar variation 3470159 (VCV003470159.1).
Genomic context (GRCh38, chr9:93,253,005, plus strand): 5'-CAGAGCGTGATGCTTGGCTCCCTTGCCGACGCAGCGCCGTCCCCGGCCCAGTGTGTGTGC[A>G]GCCCCCCTGTGAGCGAGGGGCCCGTCCTGCCGCAGAGCCTGCCCTCGCTGGGGGCCTACC-3'
Protein context (NP_006639.3, residues 643-663): AAPSPAQCVC[Ser653Gly]PPVSEGPVLP